The following is an entry in ClinVar:

NM_000038.6(APC):c.8047del (p.Ile2683fs)

Gene: APC (APC regulator of Wnt signaling pathway; plus strand). Cytogenetic location: 5q22.2.
Variant type: Deletion.
Coding change: c.8047del on transcript NM_000038.6 (MANE Select); coding-DNA position 8047, one base deleted (A; older notation c.8047delA).
Protein change: p.Ile2683fs; shifts the reading frame from isoleucine 2683.
Molecular consequence: frameshift variant.
Genome position (GRCh38, 1-based): chr5:112,843,641, A deleted. VCF-style (leftmost placement, unchanged base first): chr5-112843640-GA-G. GRCh37 (hg19) VCF-style: chr5-112179337-GA-G.
Other names: c.8047del, p.Ile2683fs (NM_001127510.3, NM_001354895.2); c.7993del, p.Ile2665fs (NM_001127511.3); c.8101del, p.Ile2701fs (NM_001354896.2); c.8077del, p.Ile2693fs (NM_001354897.2); c.7972del, p.Ile2658fs (NM_001354898.2); c.7963del, p.Ile2655fs (NM_001354899.2); c.7924del, p.Ile2642fs (NM_001354900.2); c.7870del, p.Ile2624fs (NM_001354901.2); and 5 more; short protein forms I2557fs, I2592fs, I2642fs, I2655fs, I2701fs, I2523fs, I2582fs, I2624fs.
Identifiers: ClinVar variation 428168 (VCV000428168.5), dbSNP rs1114167604, ClinGen allele CA645369385.

ClinVar aggregate classification (germline): Pathogenic (1 of 4 stars; one submission).

Conditions:
Hereditary cancer-predisposing syndrome. Also called: Hereditary Cancer Syndrome; Neoplastic Syndromes, Hereditary; Hereditary neoplastic syndrome; Tumor predisposition. Identifiers: Orphanet 140162, MedGen C0027672, MeSH D009386, MONDO:0015356.

Submission:

Ambry Genetics
Classification: Pathogenic for Hereditary cancer-predisposing syndrome. Last evaluated: 2016-07-02. Review status: criteria provided, single submitter. Criteria: Ambry Variant Classification Scheme 2023. Collection method: clinical testing. Allele origin: germline.
Comment: The c.8047delA pathogenic mutation, located in coding exon 15 of the APC gene, results from a deletion of one nucleotide at nucleotide position 8047, causing a translational frameshift with a predicted alternate stop codon. Premature stop codons are typically deleterious in nature; however, this stop codon occurs at the 3' terminus of APC, is not expected to trigger nonsense-mediated mRNA decay, and removes only the last 122 amino acids of the protein. The exact functional impact of these removed amino acids is unknown at this time; however, structural analysis suggests this deletion removes a known motif (Thr2841-Ser2842-Val2843) needed for protein binding involved in regulation of protein function (Zhang Z et al. PLoS ONE, 2011 Aug;6:e23507; Slep KC. PLoS ONE, 2012 Nov;7:e50097).

Literature cited by the submitters: PubMed 21858148; PubMed 23185543.